The following is an entry in ClinVar:

ClinVar aggregate classification (germline): Uncertain significance (1 of 4 stars; one submission).

Submission:

GeneDx
Classification: Uncertain significance. Last evaluated: 2021-04-29. Review status: criteria provided, single submitter. Criteria: GeneDx Variant Classification Process June 2021. Collection method: clinical testing. Allele origin: germline. Affected: yes.
Comment: Not observed in large population cohorts (Lek et al., 2016); Frameshift variant predicted to result in protein truncation as the last 84 amino acids are replaced with 37 different amino acids, although loss-of-function variants have not been reported downstream of this position in the protein; Has not been previously published as pathogenic or benign to our knowledge

NM_015681.6(B9D1):c.363del (p.Met121fs)

Gene: B9D1 (B9 domain containing 1; minus strand). Cytogenetic location: 17p11.2.
Variant type: Deletion.
Coding change: c.363del on transcript NM_015681.6 (MANE Select); coding-DNA position 363, one base deleted (G; older notation c.363delG).
Protein change: p.Met121fs; shifts the reading frame from methionine 121.
Molecular consequence: frameshift variant. On other transcripts: initiator codon variant (1).
Genome position (GRCh38, 1-based): chr17:19,347,310, C deleted on the plus strand (G on the coding strand, the reverse complement: B9D1 is on the minus strand). VCF-style (leftmost placement, unchanged base first): chr17-19347309-AC-A. GRCh37 (hg19) VCF-style: chr17-19250622-AC-A.
Other names: c.363del, p.Met121fs (NM_001321214.2, NM_001321215.3, NM_001321216.2 and 4 more transcripts); c.3del, p.Met1fs (NM_001368769.2); short protein forms M121fs, M1fs.
Identifiers: ClinVar variation 1302336 (VCV001302336.3), dbSNP rs2152260891, ClinGen allele CA2573054348.